The following is an entry in ClinVar:

ClinVar aggregate classification (germline): Uncertain significance (1 of 4 stars; one submission).

Submission:

Labcorp Genetics (formerly Invitae), Labcorp
Classification: Uncertain significance. Last evaluated: 2025-08-26. Review status: criteria provided, single submitter. Criteria: Invitae Variant Classification Sherloc (09022015). Collection method: clinical testing. Allele origin: germline.
Comment: This sequence change replaces valine, which is neutral and non-polar, with isoleucine, which is neutral and non-polar, at codon 1064 of the FAM65B protein (p.Val1064Ile). The frequency data for this variant in the population databases is considered unreliable, as metrics indicate poor data quality at this position in the gnomAD database. This variant has not been reported in the literature in individuals affected with FAM65B-related conditions. ClinVar contains an entry for this variant (Variation ID: 3675517). An algorithm developed to predict the effect of missense changes on protein structure and function (PolyPhen-2) suggests that this variant is likely to be disruptive. In summary, the available evidence is currently insufficient to determine the role of this variant in disease. Therefore, it has been classified as a Variant of Uncertain Significance.

NM_001286445.3(RIPOR2):c.3127G>A (p.Val1043Ile)

Gene: RIPOR2 (RHO family interacting cell polarization regulator 2; minus strand). Cytogenetic location: 6p22.3.
Variant type: single nucleotide variant.
Coding change: c.3127G>A on transcript NM_001286445.3 (MANE Select); coding-DNA position 3127, G replaced by A.
Protein change: p.Val1043Ile; replaces valine 1043 with isoleucine.
Molecular consequence: missense variant.
Genome position (GRCh38, 1-based): chr6:24,806,390, C>T on the plus strand (G>A on the coding strand, the complement: RIPOR2 is on the minus strand). VCF-style: chr6-24806390-C-T. GRCh37 (hg19) VCF-style: chr6-24806618-C-T.
Other names: c.3040G>A, p.Val1014Ile (NM_001346031.2, NM_001346032.2); c.3190G>A, p.Val1064Ile (NM_014722.5); short protein forms V1014I, V1064I, V1043I.
Identifiers: ClinVar variation 3675517 (VCV003675517.2).